The following is an entry in ClinVar:

ClinVar aggregate classification (germline): Uncertain significance (1 of 4 stars; one submission).

Conditions:
Inborn genetic diseases. Identifiers: MedGen C0950123, MeSH D030342.

gnomAD v4.1: 3 of 1,610,468 alleles (0.00019%); highest among the groups gnomAD compares: South Asian, 0.0011%; no homozygotes.

Submission:

Ambry Genetics
Classification: Uncertain significance for Inborn genetic diseases. Last evaluated: 2025-12-11. Review status: criteria provided, single submitter. Criteria: Ambry Variant Classification Scheme 2023. Collection method: clinical testing. Allele origin: germline.
Comment: The p.R14* variant (also known as c.40C>T), located in coding exon 2 of the ETV6 gene, results from a C to T substitution at nucleotide position 40. This changes the amino acid from an arginine to a stop codon within coding exon 2. The predicted stop codon occurs in the 5&rsquo; end of thegene. Premature termination codons in the 5&rsquo; end of a gene have been reported to escape nonsense-mediated mRNAdecay and/or lead to re-initiation (Rivas et al. Science. 2015 May 8;348(6235):666-9; Lindeboom et al. Nat Genet. 2016 Oct;48(10):1112-8; Rhee et al. Sci Rep. 2017 May 10;7(1):1653). The exact functional effect of this alteration is unknown. Since supporting evidence is limited at this time, the clinical significance of this alteration remains unclear.

NM_001987.5(ETV6):c.40C>T (p.Arg14Ter)

Gene: ETV6 (ETS variant transcription factor 6; plus strand). Cytogenetic location: 12p13.2.
Variant type: single nucleotide variant.
Coding change: c.40C>T on transcript NM_001987.5 (MANE Select); coding-DNA position 40, C replaced by T.
Protein change: p.Arg14Ter; replaces arginine 14 with a stop codon.
Molecular consequence: nonsense. On other transcripts: intron variant (1).
Genome position (GRCh38, 1-based): chr12:11,752,456, C>T. VCF-style: chr12-11752456-C-T. GRCh37 (hg19) VCF-style: chr12-11905390-C-T.
Other names: c.37C>T, p.Arg13Ter (NM_001413913.1); c.13C>T, p.Arg5Ter (NM_001413914.1); c.40C>T, p.Arg14Ter (NM_001413916.1, NM_001413917.1, NM_001413918.1); c.-101-86684C>T (NM_001413915.1); short protein forms R14*, R5*, R13*.
Identifiers: ClinVar variation 4251495 (VCV004251495.2).
Genomic context (GRCh38, chr12:11,752,456, plus strand): 5'-CAAGCTTTCATTGTCTCTCTCCCCCTCCCCTCTTCCTGCCCTTATTTTTAACAGCAGGAA[C>T]GAATTTCATATACACCTCCAGAGAGCCCAGTGCCGAGTTACGCTTCCTCGACGCCACTTC-3'